The following is an entry in ClinVar:

ClinVar aggregate classification (germline): Uncertain significance. Review status: criteria provided, multiple submitters, no conflicts (2 of 4 stars). 3 submissions from 3 submitters: Uncertain significance (2). 1 of the submissions does not count toward it. Last evaluated 2025-05-05.

Conditions:
Inborn genetic diseases. Identifiers: MedGen C0950123, MeSH D030342.
Kabuki syndrome. Also called: NIIKAWA-KUROKI SYNDROME; Kabuki make-up syndrome. Identifiers: Orphanet 2322, MedGen C0796004, MONDO:0016512.
KMT2D-related disorder. Also called: KMT2D-Related Disorders.

Allele frequency attached by ClinVar (database versions not stated): TOPMed 0.00001.

Submissions (3):

Labcorp Genetics (formerly Invitae), Labcorp
Classification: Uncertain significance for Kabuki syndrome. Last evaluated: 2025-05-05. Review status: criteria provided, single submitter. Criteria: Invitae Variant Classification Sherloc (09022015). Collection method: clinical testing. Allele origin: germline.
Comment: This sequence change replaces glutamine, which is neutral and polar, with histidine, which is basic and polar, at codon 4335 of the KMT2D protein (p.Gln4335His). This variant is not present in population databases (gnomAD no frequency). This variant has not been reported in the literature in individuals affected with KMT2D-related conditions. ClinVar contains an entry for this variant (Variation ID: 521224). Invitae Evidence Modeling of protein sequence and biophysical properties (such as structural, functional, and spatial information, amino acid conservation, physicochemical variation, residue mobility, and thermodynamic stability) indicates that this missense variant is not expected to disrupt KMT2D protein function with a negative predictive value of 95%. In summary, the available evidence is currently insufficient to determine the role of this variant in disease. Therefore, it has been classified as a Variant of Uncertain Significance.

Ambry Genetics
Classification: Uncertain significance for Inborn genetic diseases. Last evaluated: 2017-05-17. Review status: criteria provided, single submitter. Criteria: Ambry exome assertion method (8-5-2015). Collection method: clinical testing. Allele origin: germline. Affected: yes. Observed: 1 variant allele.

PreventionGenetics, part of Exact Sciences
Classification: Uncertain significance for KMT2D-related condition. Last evaluated: 2024-01-31. Review status: no assertion criteria provided. Collection method: clinical testing. Allele origin: germline. Not counted in ClinVar's aggregate classification.
Comment: The KMT2D c.13005G>T variant is predicted to result in the amino acid substitution p.Gln4335His. To our knowledge, this variant has not been reported in the literature or in a large population database, indicating this variant is rare. At this time, the clinical significance of this variant is uncertain due to the absence of conclusive functional and genetic evidence.

NM_003482.4(KMT2D):c.13005G>T (p.Gln4335His)

Gene: KMT2D (lysine methyltransferase 2D; minus strand). Cytogenetic location: 12q13.12.
Variant type: single nucleotide variant.
Coding change: c.13005G>T on transcript NM_003482.4 (MANE Select); coding-DNA position 13005, G replaced by T.
Protein change: p.Gln4335His; replaces glutamine 4335 with histidine.
Molecular consequence: missense variant.
Genome position (GRCh38, 1-based): chr12:49,031,700, C>A on the plus strand (G>T on the coding strand, the complement: KMT2D is on the minus strand). VCF-style: chr12-49031700-C-A. GRCh37 (hg19) VCF-style: chr12-49425483-C-A.
Other names: short protein forms Q4335H.
Identifiers: ClinVar variation 521224 (VCV000521224.7), dbSNP rs1555187752, ClinGen allele CA384708021.